The following is an entry in ClinVar:

NM_152296.5(ATP1A3):c.1715A>G (p.Asn572Ser)

Gene: ATP1A3 (ATPase Na+/K+ transporting subunit alpha 3; minus strand). Cytogenetic location: 19q13.2.
Variant type: single nucleotide variant.
Coding change: c.1715A>G on transcript NM_152296.5 (MANE Select); coding-DNA position 1715, A replaced by G.
Protein change: p.Asn572Ser; replaces asparagine 572 with serine.
Molecular consequence: missense variant.
Genome position (GRCh38, 1-based): chr19:41,978,242, T>C on the plus strand (A>G on the coding strand, the complement: ATP1A3 is on the minus strand). VCF-style: chr19-41978242-T-C. GRCh37 (hg19) VCF-style: chr19-42482394-T-C.
Other names: c.1748A>G, p.Asn583Ser (NM_001256213.2); c.1754A>G, p.Asn585Ser (NM_001256214.2); short protein forms N572S, N583S, N585S.
Identifiers: ClinVar variation 1312190 (VCV001312190.2), dbSNP rs2145964972, ClinGen allele CA406045751.

ClinVar aggregate classification (germline): Uncertain significance (1 of 4 stars; one submission).

Allele frequency attached by ClinVar (database versions not stated): gnomAD exomes below 0.00001.
gnomAD v4.1: 1 of 1,614,008 alleles (0.000062%); highest among the groups gnomAD compares: Non-Finnish European, 0.000085%; no homozygotes.

Submission:

GeneDx
Classification: Uncertain significance. Last evaluated: 2020-01-30. Review status: criteria provided, single submitter. Criteria: GeneDx Variant Classification Process June 2021. Collection method: clinical testing. Allele origin: germline. Affected: yes.
Comment: Not observed in large population cohorts (Lek et al., 2016); In silico analysis, which includes protein predictors and evolutionary conservation, supports that this variant does not alter protein structure/function; Has not been previously published as pathogenic or benign to our knowledge